The following is an entry in ClinVar:

NM_181712.5(KANK4):c.2876C>A (p.Thr959Asn)

Gene: KANK4 (KN motif and ankyrin repeat domains 4; minus strand). Cytogenetic location: 1p31.3.
Variant type: single nucleotide variant.
Coding change: c.2876C>A on transcript NM_181712.5 (MANE Select); coding-DNA position 2876, C replaced by A.
Protein change: p.Thr959Asn; replaces threonine 959 with asparagine.
Molecular consequence: missense variant.
Genome position (GRCh38, 1-based): chr1:62,247,479, G>T on the plus strand (C>A on the coding strand, the complement: KANK4 is on the minus strand). VCF-style: chr1-62247479-G-T. GRCh37 (hg19) VCF-style: chr1-62713151-G-T.
Other names: c.992C>A, p.Thr331Asn (NM_001320269.2); short protein forms T331N, T959N.
Identifiers: ClinVar variation 4987520 (VCV004987520.1).
Genomic context (GRCh38, chr1:62,247,479, plus strand): 5'-TATGAGCCACCCTGCCCAGCAACAGCTACTTGTTAATTGCCTGTAAGTCTCACCTTGTCA[G>T]TCAGGCTGCTGTCGCAGGCTGGGTGTGCCAGGAGCAGCCGCACCAGGTCCACGTTGCCAT-3'
Protein context (NP_859063.3, residues 949-969): LAHPACDSSL[Thr959Asn]DKAGRTALSI

ClinVar aggregate classification (germline): Uncertain significance (1 of 4 stars; one submission).

Conditions:
KANK4-related disorder. Also called: KANK4-related condition.

gnomAD v4.1: 6 of 1,613,744 alleles (0.00037%); highest among the groups gnomAD compares: African/African-American, 0.0067%; no homozygotes.

Submission:

PreventionGenetics, part of Exact Sciences
Classification: Uncertain significance for KANK4-related condition. Last evaluated: 2026-03-16. Review status: criteria provided, single submitter. Criteria: ACMG Guidelines, 2015. Collection method: clinical testing. Allele origin: germline.
Comment: The KANK4 c.2876C>A variant is predicted to result in the amino acid substitution p.Thr959Asn. To our knowledge, this variant has not been reported in the literature or in a large population database (gnomAD), indicating this variant is rare. At this time, the clinical significance of this variant is uncertain due to the absence of conclusive functional and genetic evidence.